The following is an entry in ClinVar:

NM_001385641.1(SAMD11):c.859C>T (p.Pro287Ser)

Gene: SAMD11 (sterile alpha motif domain containing 11; plus strand). Cytogenetic location: 1p36.33.
Variant type: single nucleotide variant.
Coding change: c.859C>T on transcript NM_001385641.1 (MANE Select); coding-DNA position 859, C replaced by T.
Protein change: p.Pro287Ser; replaces proline 287 with serine.
Molecular consequence: missense variant.
Genome position (GRCh38, 1-based): chr1:935,788, C>T. VCF-style: chr1-935788-C-T. GRCh37 (hg19) VCF-style: chr1-871168-C-T.
Other names: c.859C>T, p.Pro287Ser (NM_001385640.1); c.322C>T, p.Pro108Ser (NM_152486.4); short protein forms P108S, P287S.
Identifiers: ClinVar variation 1297123 (VCV001297123.2), dbSNP rs762363509, ClinGen allele CA337797525.

ClinVar aggregate classification (germline): Uncertain significance (1 of 4 stars; one submission).

Conditions:
Retinitis pigmentosa (RP). Identifiers: Orphanet 791, MedGen C0035334, MeSH D012174, MONDO:0019200, OMIM 268000. Inheritance: Autosomal dominant, autosomal recessive and X linked inheritance.

Submission:

Broad Center for Mendelian Genomics, Broad Institute of MIT and Harvard
Classification: Uncertain significance for Retinitis pigmentosa. Last evaluated: 2021-04-01. Review status: criteria provided, single submitter. Criteria: ACMG Guidelines, 2015. Collection method: curation. Allele origin: germline. Inheritance: Autosomal recessive inheritance. Affected: yes.
Comment: Through a review of available evidence we were able to apply the following criteria: PM2, BP4. Based on this evidence we have classified this variant as a Variant of Uncertain Significance. If you have any questions about the classification please reach out to the Pierce Lab.

Literature cited by the submitters: PubMed 34906470.